The following is an entry in ClinVar:

NM_007315.4(STAT1):c.1643A>G (p.Asn548Ser)

Gene: STAT1 (signal transducer and activator of transcription 1; minus strand). Cytogenetic location: 2q32.2.
Variant type: single nucleotide variant.
Coding change: c.1643A>G on transcript NM_007315.4 (MANE Select); coding-DNA position 1643, A replaced by G.
Protein change: p.Asn548Ser; replaces asparagine 548 with serine.
Molecular consequence: missense variant.
Genome position (GRCh38, 1-based): chr2:190,979,856, T>C on the plus strand (A>G on the coding strand, the complement: STAT1 is on the minus strand). VCF-style: chr2-190979856-T-C. GRCh37 (hg19) VCF-style: chr2-191844582-T-C.
Other names: c.1583A>G, p.Asn528Ser (NM_001384880.1); c.1649A>G, p.Asn550Ser (NM_001384881.1, NM_001384884.1); c.1637A>G, p.Asn546Ser (NM_001384882.1); c.1544A>G, p.Asn515Ser (NM_001384883.1); c.1484A>G, p.Asn495Ser (NM_001384885.1); c.1643A>G, p.Asn548Ser (NM_001384886.1, NM_001384889.1, NM_139266.3); c.1550A>G, p.Asn517Ser (NM_001384887.1); c.1613A>G, p.Asn538Ser (NM_001384888.1); and 2 more; short protein forms N517S, N528S, N546S, N515S, N560S, N495S, N518S, N538S.
Identifiers: ClinVar variation 2921766 (VCV002921766.3), dbSNP rs2470432506, ClinGen allele CA349914456.

ClinVar aggregate classification (germline): Uncertain significance (1 of 4 stars; one submission).

Conditions:
Mendelian susceptibility to mycobacterial diseases due to partial STAT1 deficiency. Also called: IMMUNODEFICIENCY 31A, MYCOBACTERIOSIS, AUTOSOMAL DOMINANT; STAT1 DEFICIENCY, AUTOSOMAL DOMINANT; Immunodeficiency 31a. Identifiers: Orphanet 319595, MedGen C4013950, MONDO:0013956, OMIM 614892.
Immunodeficiency 31B. Also called: STAT1 DEFICIENCY, AUTOSOMAL RECESSIVE; IMMUNODEFICIENCY 31B, MYCOBACTERIAL AND VIRAL INFECTIONS, AUTOSOMAL RECESSIVE. Identifiers: Orphanet 391311, MedGen C3151088, MONDO:0013427, OMIM 613796.
Autoimmune enteropathy and endocrinopathy - susceptibility to chronic infections syndrome. Also called: Immunodeficiency 31C, autosomal dominant; Immunodeficiency 31C. Identifiers: Orphanet 391487, MedGen C3279990, MONDO:0013599, OMIM 614162.

Allele frequency attached by ClinVar (database versions not stated): gnomAD exomes below 0.00001.
gnomAD v4.1: 1 of 1,608,628 alleles (0.000062%); highest among the groups gnomAD compares: African/African-American, 0.0013%; no homozygotes.

Submission:

Labcorp Genetics (formerly Invitae), Labcorp
Classification: Uncertain significance for Mendelian susceptibility to mycobacterial diseases due to partial STAT1 deficiency; Immunodeficiency 31B; Autoimmune enteropathy and endocrinopathy - susceptibility to chronic infections syndrome. Last evaluated: 2023-12-28. Review status: criteria provided, single submitter. Criteria: Invitae Variant Classification Sherloc (09022015). Collection method: clinical testing. Allele origin: germline.
Comment: This sequence change replaces asparagine, which is neutral and polar, with serine, which is neutral and polar, at codon 548 of the STAT1 protein (p.Asn548Ser). This variant is not present in population databases (gnomAD no frequency). This variant has not been reported in the literature in individuals affected with STAT1-related conditions. Algorithms developed to predict the effect of missense changes on protein structure and function output the following: SIFT: "Not Available"; PolyPhen-2: "Benign"; Align-GVGD: "Not Available". The serine amino acid residue is found in multiple mammalian species, which suggests that this missense change does not adversely affect protein function. In summary, the available evidence is currently insufficient to determine the role of this variant in disease. Therefore, it has been classified as a Variant of Uncertain Significance.